The following is an entry in ClinVar:

NM_003924.4(PHOX2B):c.153dup (p.Gly52fs)

Genes: PHOX2B-AS1 (PHOX2B antisense RNA 1; plus strand), PHOX2B (paired like homeobox 2B; minus strand). Cytogenetic location: 4p13.
Variant type: Duplication.
Coding change: c.153dup on transcript NM_003924.4 (MANE Select); coding-DNA position 153, one base duplicated (T; older notation c.153dupT).
Protein change: p.Gly52fs; shifts the reading frame from glycine 52.
Molecular consequence: frameshift variant.
Genome position (GRCh38, 1-based): chr4:41,748,458, A duplicated on the plus strand (T on the coding strand, the reverse complement: PHOX2B is on the minus strand); the first of 4 consecutive A bases (chr4:41,748,458-41,748,461); duplicating any one gives the same sequence. VCF-style (leftmost placement, unchanged base first): chr4-41748457-C-CA. GRCh37 (hg19) VCF-style: chr4-41750474-C-CA.
Other names: c.153dupT (NM_003924.3); short protein forms G52fs.
Identifiers: ClinVar variation 1774807 (VCV001774807.2), dbSNP rs2552097175, ClinGen allele CA2580071035.
Genomic context (GRCh38, chr4:41,748,457, plus strand): 5'-CCCTGAGGGTGCCCAGGCTGCAGGATCCCGGCGTGAGGGAAGGGCAGCCGGACGTGGCCC[C>CA]AAAAGTGGTCCTTATCGGGTTATACTGGAAGCCACTGGCCTGGCTGCAGGAACTGAAGTC-3'

ClinVar aggregate classification (germline): Pathogenic (1 of 4 stars; one submission).

Conditions:
Hereditary cancer-predisposing syndrome. Also called: Hereditary Cancer Syndrome; Hereditary neoplastic syndrome; Neoplastic Syndromes, Hereditary; Tumor predisposition. Identifiers: Orphanet 140162, MedGen C0027672, MeSH D009386, MONDO:0015356.

Submission:

Ambry Genetics
Classification: Pathogenic for Hereditary cancer-predisposing syndrome. Last evaluated: 2014-10-13. Review status: criteria provided, single submitter. Criteria: Ambry Variant Classification Scheme 2023. Collection method: clinical testing. Allele origin: germline.
Comment: The c.153dupT pathogenic mutation, located in coding exon 1 of the PHOX2B gene, results from a duplication of T at nucleotide position 153, causing a translational frameshift with a predicted alternate stop codon (p.G52Wfs*126). Since frameshifts are typically deleterious in nature, this alteration is interpreted as a disease-causing mutation (ACMG Recommendations for Standards for Interpretation and Reporting of Sequence Variations. Revision 2007. Genet Med. 2008;10:294).